The following is an entry in ClinVar:

ClinVar aggregate classification (germline): Likely pathogenic (1 of 4 stars; one submission).

Conditions:
GDF5-related disorder. Also called: GDF5 (CDMP1)-related disorder; GDF5-related condition. Identifiers: MedGen CN169990.

Submission:

PreventionGenetics, part of Exact Sciences
Classification: Likely pathogenic for GDF5-related condition. Last evaluated: 2026-09-11. Review status: criteria provided, single submitter. Criteria: ACMG Guidelines, 2015. Collection method: clinical testing. Allele origin: germline.
Comment: The GDF5 c.574delG variant is predicted to result in premature protein termination (p.Val192*). To our knowledge, this variant has not been reported in the literature or in a large population database (gnomAD), indicating this variant is rare. Nonsense variants in GDF5 are expected to be pathogenic. This variant is interpreted as likely pathogenic.

NM_000557.5(GDF5):c.574del (p.Ser191_Val192insTer)

Gene: GDF5 (growth differentiation factor 5; minus strand). Cytogenetic location: 20q11.22.
Variant type: Deletion.
Coding change: c.574del on transcript NM_000557.5 (MANE Select); coding-DNA position 574, one base deleted (G; older notation c.574delG).
Protein change: p.Ser191_Val192insTer.
Molecular consequence: nonsense.
Genome position (GRCh38, 1-based): chr20:35,437,355, C deleted on the plus strand (G on the coding strand, the reverse complement: GDF5 is on the minus strand). VCF-style (leftmost placement, unchanged base first): chr20-35437354-AC-A. GRCh37 (hg19) VCF-style: chr20-34025134-AC-A.
Other names: c.574del, p.Ser191_Val192insTer (NM_001319138.2).
Identifiers: ClinVar variation 4993766 (VCV004993766.1).